The following is an entry in ClinVar:

ClinVar aggregate classification (germline): Uncertain significance (1 of 4 stars; one submission).

Conditions:
Spastic paraplegia. Identifiers: MedGen C0037772, HP:0001258.

gnomAD v4.1: 3 of 1,608,588 alleles (0.00019%); highest among the groups gnomAD compares: Admixed American, 0.0034%; 1 homozygote.

Submission:

Labcorp Genetics (formerly Invitae), Labcorp
Classification: Uncertain significance for Spastic paraplegia. Last evaluated: 2022-05-13. Review status: criteria provided, single submitter. Criteria: Invitae Variant Classification Sherloc (09022015). Collection method: clinical testing. Allele origin: germline.
Comment: This sequence change replaces glycine, which is neutral and non-polar, with serine, which is neutral and polar, at codon 23 of the AP4E1 protein (p.Gly23Ser). This variant is not present in population databases (gnomAD no frequency). This variant has not been reported in the literature in individuals affected with AP4E1-related conditions. Algorithms developed to predict the effect of missense changes on protein structure and function output the following: SIFT: "Tolerated"; PolyPhen-2: "Benign"; Align-GVGD: "Class C0". The serine amino acid residue is found in multiple mammalian species, which suggests that this missense change does not adversely affect protein function. Algorithms developed to predict the effect of sequence changes on RNA splicing suggest that this variant may create or strengthen a splice site. In summary, the available evidence is currently insufficient to determine the role of this variant in disease. Therefore, it has been classified as a Variant of Uncertain Significance.

NM_007347.5(AP4E1):c.67G>A (p.Gly23Ser)

Gene: AP4E1 (adaptor related protein complex 4 subunit epsilon 1; plus strand). Cytogenetic location: 15q21.2.
Variant type: single nucleotide variant.
Coding change: c.67G>A on transcript NM_007347.5 (MANE Select); coding-DNA position 67, G replaced by A.
Protein change: p.Gly23Ser; replaces glycine 23 with serine.
Molecular consequence: missense variant. On other transcripts: 5 prime UTR variant (1).
Genome position (GRCh38, 1-based): chr15:50,908,845, G>A. VCF-style: chr15-50908845-G-A. GRCh37 (hg19) VCF-style: chr15-51201042-G-A.
Other names: c.-182G>A (NM_001252127.2); short protein forms G23S.
Identifiers: ClinVar variation 2084116 (VCV002084116.1), dbSNP rs373684336, ClinGen allele CA392410398.